The following is an entry in ClinVar:

ClinVar aggregate classification (germline): Conflicting classifications of pathogenicity. Review status: criteria provided, conflicting classifications (1 of 4 stars). 7 submissions from 7 submitters: Uncertain significance (5); Likely benign (2). Last evaluated 2026-01-26.

Conditions:
IFT140-related disorder. Also called: IFT140-related condition.
Retinitis pigmentosa 80 (RP80). Identifiers: MedGen C4540439, MONDO:0054708, OMIM 617781.
Saldino-Mainzer syndrome (SRTD9). Also called: CONORENAL SYNDROME; SHORT-RIB THORACIC DYSPLASIA 9 WITHOUT POLYDACTYLY; Renal dysplasia, retinal pigmentary dystrophy, cerebellar ataxia and skeletal dysplasia; short-rib thoracic dysplasia 9 with or without polydactyly. Identifiers: Orphanet 140969, MedGen C1849437, MONDO:0009964, OMIM 266920.

Allele frequency attached by ClinVar (database versions not stated): gnomAD exomes 0.00011 and 0.00012; ExAC 0.00017; gnomAD 0.00043 and 0.00049; ESP Exome Variant Server 0.00046; TOPMed 0.00052; 1000 Genomes Project 30x 0.00078; 1000 Genomes Project 0.00100.
gnomAD v4.1: 253 of 1,609,028 alleles (0.016%); highest among the groups gnomAD compares: African/African-American, 0.16%; 2 homozygotes.

Submissions (7):

Labcorp Genetics (formerly Invitae), Labcorp
Classification: Likely benign for Saldino-Mainzer syndrome. Last evaluated: 2026-01-26. Review status: criteria provided, single submitter. Criteria: Invitae Variant Classification Sherloc (09022015). Collection method: clinical testing. Allele origin: germline.

PreventionGenetics, part of Exact Sciences
Classification: Uncertain significance for IFT140-related condition. Last evaluated: 2025-08-19. Review status: criteria provided, single submitter. Criteria: ACMG Guidelines, 2015. Collection method: clinical testing. Allele origin: germline.
Comment: The IFT140 c.4208G>A variant is predicted to result in the amino acid substitution p.Arg1403Gln. To our knowledge, this variant has not been reported in the literature. This variant is reported in 0.11% of alleles in individuals of African descent in gnomAD, which may be too frequent to be a primary cause of disease. . Although we suspect that this variant may be benign, at this time, the clinical significance of this variant is uncertain due to the absence of conclusive functional and genetic evidence.

GeneDx
Classification: Uncertain significance. Last evaluated: 2025-06-10. Review status: criteria provided, single submitter. Criteria: GeneDx Variant Classification Process June 2021. Collection method: clinical testing. Allele origin: germline. Affected: yes.
Comment: In silico analysis suggests that this missense variant does not alter protein structure/function; Has not been previously published as pathogenic or benign to our knowledge

Blueprint Genetics
Classification: Likely benign. Last evaluated: 2024-04-25. Review status: criteria provided, single submitter. Criteria: ACMG Guidelines, 2015. Collection method: clinical testing. Allele origin: germline.

Fulgent Genetics
Classification: Uncertain significance for Saldino-Mainzer syndrome; Retinitis pigmentosa 80. Last evaluated: 2022-01-10. Review status: criteria provided, single submitter. Criteria: ACMG Guidelines, 2015. Collection method: clinical testing. Allele origin: unknown.

AiLife Diagnostics
Classification: Uncertain significance. Last evaluated: 2021-09-30. Review status: criteria provided, single submitter. Criteria: ACMG Guidelines, 2015. Collection method: clinical testing. Allele origin: germline. Affected: yes. Observed: 1 variant allele.

Eurofins Ntd Llc (ga)
Classification: Uncertain significance. Last evaluated: 2017-01-26. Review status: criteria provided, single submitter. Criteria: EGL Classification Definitions 2015. Collection method: clinical testing. Allele origin: germline. Observed: 2 variant alleles, 2 heterozygotes.

NM_014714.4(IFT140):c.4208G>A (p.Arg1403Gln)

Gene: IFT140 (intraflagellar transport 140; minus strand). Cytogenetic location: 16p13.3.
Variant type: single nucleotide variant.
Coding change: c.4208G>A on transcript NM_014714.4 (MANE Select); coding-DNA position 4208, G replaced by A.
Protein change: p.Arg1403Gln; replaces arginine 1403 with glutamine.
Molecular consequence: missense variant.
Genome position (GRCh38, 1-based): chr16:1,511,125, C>T on the plus strand (G>A on the coding strand, the complement: IFT140 is on the minus strand). VCF-style: chr16-1511125-C-T. GRCh37 (hg19) VCF-style: chr16-1561126-C-T.
Other names: short protein forms R1403Q.
Identifiers: ClinVar variation 499715 (VCV000499715.18), dbSNP rs113216558, ClinGen allele CA7812829.